The following is an entry in ClinVar:

NM_015978.3(TNNI3K):c.1759C>G (p.Arg587Gly)

Genes: FPGT-TNNI3K (FPGT-TNNI3K readthrough; plus strand), TNNI3K (TNNI3 interacting kinase; plus strand). Cytogenetic location: 1p31.1.
Variant type: single nucleotide variant.
Coding change: c.1759C>G on transcript NM_015978.3 (MANE Select); coding-DNA position 1759, C replaced by G.
Protein change: p.Arg587Gly; replaces arginine 587 with glycine.
Molecular consequence: missense variant.
Genome position (GRCh38, 1-based): chr1:74,370,379, C>G. VCF-style: chr1-74370379-C-G. GRCh37 (hg19) VCF-style: chr1-74836063-C-G.
Other names: c.2062C>G, p.Arg688Gly (NM_001112808.3, NM_001199327.2); short protein forms R688G, R587G.
Identifiers: ClinVar variation 1380945 (VCV001380945.9), dbSNP rs200254775, ClinGen allele CA340786675.

ClinVar aggregate classification (germline): Uncertain significance. Review status: criteria provided, multiple submitters, no conflicts (2 of 4 stars). 2 submissions from 2 submitters: Uncertain significance (2). Last evaluated 2026-03-07.

Allele frequency attached by ClinVar (database versions not stated): gnomAD 0.00001.
gnomAD v4.1: 2 of 1,605,250 alleles (0.00012%); highest among the groups gnomAD compares: African/African-American, 0.0013%; no homozygotes.

Submissions (2):

GeneDx
Classification: Uncertain significance. Last evaluated: 2026-03-07. Review status: criteria provided, single submitter. Criteria: GeneDx Variant Classification Process June 2021. Collection method: clinical testing. Allele origin: germline.
Comment: Not observed at significant frequency in large population cohorts (gnomAD); In silico analysis supports that this missense variant has a deleterious effect on protein structure/function; Has not been previously published as pathogenic or benign to our knowledge

Labcorp Genetics (formerly Invitae), Labcorp
Classification: Uncertain significance. Last evaluated: 2025-01-11. Review status: criteria provided, single submitter. Criteria: Invitae Variant Classification Sherloc (09022015). Collection method: clinical testing. Allele origin: germline.
Comment: This sequence change replaces arginine, which is basic and polar, with glycine, which is neutral and non-polar, at codon 587 of the TNNI3K protein (p.Arg587Gly). This variant is present in population databases (no rsID available, gnomAD 0.01%). This variant has not been reported in the literature in individuals affected with TNNI3K-related conditions. ClinVar contains an entry for this variant (Variation ID: 1380945). Invitae Evidence Modeling of protein sequence and biophysical properties (such as structural, functional, and spatial information, amino acid conservation, physicochemical variation, residue mobility, and thermodynamic stability) indicates that this missense variant is not expected to disrupt TNNI3K protein function with a negative predictive value of 80%. In summary, the available evidence is currently insufficient to determine the role of this variant in disease. Therefore, it has been classified as a Variant of Uncertain Significance.